The following is an entry in ClinVar:

NM_005045.4(RELN):c.914A>G (p.Asn305Ser)

Gene: RELN (reelin; minus strand). Cytogenetic location: 7q22.1.
Variant type: single nucleotide variant.
Coding change: c.914A>G on transcript NM_005045.4 (MANE Select); coding-DNA position 914, A replaced by G.
Protein change: p.Asn305Ser; replaces asparagine 305 with serine.
Molecular consequence: missense variant.
Genome position (GRCh38, 1-based): chr7:103,698,082, T>C on the plus strand (A>G on the coding strand, the complement: RELN is on the minus strand). VCF-style: chr7-103698082-T-C. GRCh37 (hg19) VCF-style: chr7-103338529-T-C.
Other names: c.914A>G, p.Asn305Ser (NM_173054.3); short protein forms N305S.
Identifiers: ClinVar variation 1446668 (VCV001446668.8), dbSNP rs150372878, ClinGen allele CA4422401.

ClinVar aggregate classification (germline): Conflicting classifications of pathogenicity. Review status: criteria provided, conflicting classifications (1 of 4 stars). 2 submissions from 2 submitters: Uncertain significance (1); Likely benign (1). Last evaluated 2024-06-15.

Conditions:
Norman-Roberts syndrome (LIS2). Also called: Lissencephaly 2 (Norman-Roberts type). Identifiers: Orphanet 89844, MedGen C0796089, MONDO:0009760, OMIM 257320.
Familial temporal lobe epilepsy 7. Identifiers: Orphanet 101046, MedGen C4225327, MONDO:0014639, OMIM 616436.

Allele frequency attached by ClinVar (database versions not stated): TOPMed below 0.00001; gnomAD exomes 0.00001; ExAC 0.00002; gnomAD 0.00003; 1000 Genomes Project 30x 0.00016; 1000 Genomes Project 0.00020.
gnomAD v4.1: 21 of 1,613,712 alleles (0.0013%); highest among the groups gnomAD compares: African/African-American, 0.008%; no homozygotes.

Submissions (2):

Labcorp Genetics (formerly Invitae), Labcorp
Classification: Likely benign for Familial temporal lobe epilepsy 7; Norman-Roberts syndrome. Last evaluated: 2024-06-15. Review status: criteria provided, single submitter. Criteria: Invitae Variant Classification Sherloc (09022015). Collection method: clinical testing. Allele origin: germline.

GeneDx
Classification: Uncertain significance. Last evaluated: 2022-01-26. Review status: criteria provided, single submitter. Criteria: GeneDx Variant Classification Process June 2021. Collection method: clinical testing. Allele origin: germline. Affected: yes.
Comment: Not observed at significant frequency in large population cohorts (gnomAD); In silico analysis supports that this missense variant does not alter protein structure/function; Has not been previously published as pathogenic or benign to our knowledge